The following is an entry in ClinVar:

NM_022041.4(GAN):c.1792del (p.Ter598GluextTer?)

Gene: GAN (gigaxonin; plus strand). Cytogenetic location: 16q23.2.
Variant type: Deletion.
Coding change: c.1792del on transcript NM_022041.4 (MANE Select); coding-DNA position 1792, one base deleted (T; older notation c.1792delT).
Protein change: p.Ter598GluextTer?.
Molecular consequence: frameshift variant, stop lost.
Genome position (GRCh38, 1-based): chr16:81,377,594, T deleted; the last of 2 consecutive T bases (chr16:81,377,593-81,377,594); deleting either gives the same sequence. VCF-style (leftmost placement, unchanged base first): chr16-81377592-CT-C. GRCh37 (hg19) VCF-style: chr16-81411197-CT-C.
Other names: c.1153del, p.Ter385GluextTer? (NM_001377486.1).
Identifiers: ClinVar variation 1429034 (VCV001429034.8), dbSNP rs755084684, ClinGen allele CA8191887.
Genomic context (GRCh38, chr16:81,377,592, plus strand): 5'-ATTGCAAGCTTTTCCGCCTGCAGCTTCAGCAAGGCTTATTCCGTATTCGTGTTCATTCCC[CT>C]TGAGGAGGAAGCAGAGCAGAGTGCGAGATCCTGACCCAAGAGCACCATAACATAGCTCCG-3'

ClinVar aggregate classification (germline): Uncertain significance. Review status: criteria provided, multiple submitters, no conflicts (2 of 4 stars). 2 submissions from 2 submitters: Uncertain significance (2). Last evaluated 2021-10-20.

Conditions:
Giant axonal neuropathy 1 (GAN1). Also called: GIANT AXONAL NEUROPATHY 1, AUTOSOMAL RECESSIVE; GAN-Related Neurodegeneration. Identifiers: Orphanet 643, MedGen C1850386, MONDO:0009749, OMIM 256850.
Inborn genetic diseases. Identifiers: MedGen C0950123, MeSH D030342.

Submissions (2):

Labcorp Genetics (formerly Invitae), Labcorp
Classification: Uncertain significance for Giant axonal neuropathy 1. Last evaluated: 2021-10-20. Review status: criteria provided, single submitter. Criteria: Invitae Variant Classification Sherloc (09022015). Collection method: clinical testing. Allele origin: germline.
Comment: In summary, the available evidence is currently insufficient to determine the role of this variant in disease. Therefore, it has been classified as a Variant of Uncertain Significance. Experimental studies and prediction algorithms are not available or were not evaluated, and the functional significance of this variant is currently unknown. This variant has not been reported in the literature in individuals affected with GAN-related conditions. This variant is present in population databases (rs755084684, gnomAD 0.009%). This sequence change disrupts the translational stop signal of the GAN mRNA. It is expected to extend the length of the GAN protein by 10 additional amino acid residues.

Ambry Genetics
Classification: Uncertain significance for Inborn genetic diseases. Last evaluated: 2020-07-28. Review status: criteria provided, single submitter. Criteria: Ambry Variant Classification Scheme 2023. Collection method: clinical testing. Allele origin: germline.
Comment: The c.1792delT variant (also known as p.*598Eext*10), located in coding exon 11 of the GAN gene, results from a deletion of one nucleotide at nucleotide position 1792. This alteration disrupts the stop codon of the GAN gene and is predicted to preserve the native sequence while resulting in the elongation of the protein by 10 amino acids. The exact functional effect of the additional amino acids is unknown. Since supporting evidence is limited at this time, the clinical significance of this alteration remains unclear.